The following is an entry in ClinVar:

NM_018398.3(CACNA2D3):c.2449+18617_2449+18618del

Genes: CACNA2D3 (calcium voltage-gated channel auxiliary subunit alpha2delta 3; plus strand), LRTM1 (leucine rich repeat transmembrane protein 1; minus strand). Cytogenetic location: 3p14.3.
Variant type: Microsatellite.
Coding change: c.2449+18617_2449+18618del on transcript NM_018398.3 (MANE Select); bases 18617 to 18618 of the intron after coding-DNA position 2449, 2 bases deleted (CT; older notation c.2449+18617_2449+18618delCT).
Molecular consequence: intron variant. On other transcripts: frameshift variant (2).
Genome position (GRCh38, 1-based): chr3:54,918,485-54,918,486, CT deleted; deleting any 2 consecutive bases within chr3:54,918,483-54,918,486 gives the same sequence; the c. name uses the placement nearest the transcript's 3' end. VCF-style (leftmost placement, unchanged base first): chr3-54918482-GCT-G. GRCh37 (hg19) VCF-style: chr3-54952509-GCT-G.
Other names: c.785_786del, p.Glu262fs (NM_001304389.2); c.1013_1014del, p.Glu338fs (NM_020678.4); c.1013_1014del (NM_020678.3); short protein forms E262fs, E338fs.
Identifiers: ClinVar variation 767916 (VCV000767916.28), dbSNP rs573640720, ClinGen allele CA2458244.

ClinVar aggregate classification (germline): Likely benign. Review status: criteria provided, multiple submitters, no conflicts (2 of 4 stars). 2 submissions from 2 submitters: Likely benign (2). Last evaluated 2023-01-01.

Submissions (2):

CeGaT Center for Human Genetics Tuebingen
Classification: Likely benign. Last evaluated: 2023-01-01. Review status: criteria provided, single submitter. Criteria: CeGaT Center For Human Genetics Tuebingen Variant Classification Criteria Version 2. Collection method: clinical testing. Allele origin: germline. Affected: yes. Observed: 1 variant allele.
Comment: CACNA2D3: BS2; LRTM1: BS2

Labcorp Genetics (formerly Invitae), Labcorp
Classification: Likely benign. Last evaluated: 2019-12-31. Review status: criteria provided, single submitter. Criteria: Invitae Variant Classification Sherloc (09022015). Collection method: clinical testing. Allele origin: germline.